The following is an entry in ClinVar:

ClinVar aggregate classification (germline): Benign/Likely benign. Review status: criteria provided, multiple submitters, no conflicts (2 of 4 stars). 21 submissions from 15 submitters: Benign (16); Likely benign (1). 4 of the submissions do not count toward it. Last evaluated 2026-02-04.

Conditions:
Geleophysic dysplasia. Identifiers: Orphanet 2623, MedGen C3489726, MONDO:0000127.
Connective tissue disorder. Also called: Connective tissue disease. Identifiers: MedGen C0009782, MONDO:0003900.
Weill-Marchesani syndrome. Also called: WM Syndrome; Mesodermal dysmorphodystrophy congenital. Identifiers: Orphanet 3449, MedGen C0265313, MONDO:0018096.
Marfan syndrome (MFS). Also called: FBN1-Related Marfan Syndrome; Marfan syndrome, classic; MARFAN SYNDROME, TYPE I; Marfan syndrome type 1; Marfan's syndrome. Identifiers: Orphanet 284963, Orphanet 558, MedGen C0024796, MONDO:0007947, OMIM 154700.
Familial thoracic aortic aneurysm and aortic dissection (TAAD). Also called: Thoracic aortic aneurysms and dissections. Identifiers: Orphanet 91387, MedGen C4707243, MONDO:0019625.
Acromicric dysplasia (ACMICD). Also called: Acromicric skeletal dysplasia. Identifiers: Orphanet 969, MedGen C0265287, MONDO:0007055, OMIM 102370.
Ectopia lentis 1, isolated, autosomal dominant (ECTOL1). Identifiers: Orphanet 1885, MedGen C3541518, MONDO:0007514, OMIM 129600.
Stiff skin syndrome (SSKS). Identifiers: Orphanet 2833, MedGen C1861456, MONDO:0008492, OMIM 184900.

Allele frequency attached by ClinVar (database versions not stated): gnomAD 0.02324 and 0.02425; 1000 Genomes Project 30x 0.04716; ExAC 0.02684; TOPMed 0.02752; 1000 Genomes Project 0.04912; ESP Exome Variant Server 0.02110; gnomAD exomes 0.02651.
gnomAD v4.1: 26,647 of 1,613,860 alleles (1.7%); highest among the groups gnomAD compares: East Asian, 10%; 638 homozygotes.

Submissions (21):

Labcorp Genetics (formerly Invitae), Labcorp
Classification: Benign for Marfan syndrome; Familial thoracic aortic aneurysm and aortic dissection. Last evaluated: 2026-02-04. Review status: criteria provided, single submitter. Criteria: Invitae Variant Classification Sherloc (09022015). Collection method: clinical testing. Allele origin: germline.

ARUP Laboratories, Molecular Genetics and Genomics, ARUP Laboratories
Classification: Benign. Last evaluated: 2025-06-18. Review status: criteria provided, single submitter. Criteria: ARUP Molecular Germline Variant Investigation Process 2024. Collection method: clinical testing. Allele origin: germline.

Molecular Diagnostic Laboratory for Inherited Cardiovascular Disease, Montreal Heart Institute
Classification: Benign. Last evaluated: 2025-04-09. Review status: criteria provided, single submitter. Criteria: ACMG Guidelines, 2015. Collection method: clinical testing. Allele origin: germline. Affected: no.

Blueprint Genetics
Classification: Likely benign. Last evaluated: 2024-11-26. Review status: criteria provided, single submitter. Criteria: ACMG Guidelines, 2015. Collection method: clinical testing. Allele origin: germline.

Genome Diagnostics Laboratory, The Hospital for Sick Children
Classification: Benign for Connective tissue disorder. Last evaluated: 2022-06-17. Review status: criteria provided, single submitter. Criteria: ACMG Guidelines, 2015. Collection method: clinical testing. Allele origin: germline.

Illumina Laboratory Services, Illumina
Classification: Benign for Familial thoracic aortic aneurysm and aortic dissection. Last evaluated: 2018-01-13. Review status: criteria provided, single submitter. Criteria: ICSL Variant Classification Criteria 13 December 2019. Collection method: clinical testing. Allele origin: germline.
Comment: This variant was observed in the ICSL laboratory as part of a predisposition screen in an ostensibly healthy population. It had not been previously curated by ICSL or reported in the Human Gene Mutation Database (HGMD: prior to June 1st, 2018), and was therefore a candidate for classification through an automated scoring system. Utilizing variant allele frequency, disease prevalence and penetrance estimates, and inheritance mode, an automated score was calculated to assess if this variant is too frequent to cause the disease. Based on the score and internal cut-off values, a variant classified as benign is not then subjected to further curation. The score for this variant resulted in a classification of benign for this disease.

Illumina Laboratory Services, Illumina
Classification: Benign for Ectopia lentis 1, isolated, autosomal dominant. Last evaluated: 2018-01-13. Review status: criteria provided, single submitter. Criteria: ICSL Variant Classification Criteria 13 December 2019. Collection method: clinical testing. Allele origin: germline.
Comment: the same text as in the submission from Illumina Laboratory Services, Illumina above.

Illumina Laboratory Services, Illumina
Classification: Benign for Stiff skin syndrome. Last evaluated: 2018-01-13. Review status: criteria provided, single submitter. Criteria: ICSL Variant Classification Criteria 13 December 2019. Collection method: clinical testing. Allele origin: germline.
Comment: the same text as in the submission from Illumina Laboratory Services, Illumina above.

Illumina Laboratory Services, Illumina
Classification: Benign for Geleophysic dysplasia. Last evaluated: 2018-01-13. Review status: criteria provided, single submitter. Criteria: ICSL Variant Classification Criteria 13 December 2019. Collection method: clinical testing. Allele origin: germline.
Comment: the same text as in the submission from Illumina Laboratory Services, Illumina above.

Illumina Laboratory Services, Illumina
Classification: Benign for Weill-Marchesani syndrome. Last evaluated: 2018-01-13. Review status: criteria provided, single submitter. Criteria: ICSL Variant Classification Criteria 13 December 2019. Collection method: clinical testing. Allele origin: germline.
Comment: the same text as in the submission from Illumina Laboratory Services, Illumina above.

Illumina Laboratory Services, Illumina
Classification: Benign for Acromicric dysplasia. Last evaluated: 2018-01-13. Review status: criteria provided, single submitter. Criteria: ICSL Variant Classification Criteria 13 December 2019. Collection method: clinical testing. Allele origin: germline.
Comment: the same text as in the submission from Illumina Laboratory Services, Illumina above.

Illumina Laboratory Services, Illumina
Classification: Benign for Marfan syndrome. Last evaluated: 2018-01-13. Review status: criteria provided, single submitter. Criteria: ICSL Variant Classification Criteria 13 December 2019. Collection method: clinical testing. Allele origin: germline.
Comment: the same text as in the submission from Illumina Laboratory Services, Illumina above.

Mayo Clinic Laboratories, Mayo Clinic
Classification: Benign. Last evaluated: 2014-01-29. Review status: criteria provided, single submitter. Criteria: ACMG Guidelines, 2015. Collection method: clinical testing. Allele origin: germline. Observed: 67 variant alleles.

GeneDx
Classification: Benign. Last evaluated: 2013-04-14. Review status: criteria provided, single submitter. Criteria: GeneDx Variant Classification (06012015). Collection method: clinical testing. Allele origin: germline. Affected: yes.
Comment: This variant is considered likely benign or benign based on one or more of the following criteria: it is a conservative change, it occurs at a poorly conserved position in the protein, it is predicted to be benign by multiple in silico algorithms, and/or has population frequency not consistent with disease.

Laboratory for Molecular Medicine, Mass General Brigham Personalized Medicine
Classification: Benign. Last evaluated: 2008-08-19. Review status: criteria provided, single submitter. Criteria: LMM Criteria. Collection method: clinical testing. Allele origin: germline. Observed: 30 variant alleles.

Breakthrough Genomics
Classification: Benign. Review status: criteria provided, single submitter. Criteria: ACMG Guidelines, 2015. Collection method: not provided. Allele origin: germline. Inheritance: Autosomal dominant inheritance. Affected: yes.

PreventionGenetics, part of Exact Sciences
Classification: Benign. Review status: criteria provided, single submitter. Criteria: ACMG Guidelines, 2015. Collection method: clinical testing. Allele origin: germline.

Clinical Genetics DNA and cytogenetics Diagnostics Lab, Erasmus MC, Erasmus Medical Center
Classification: Benign. Review status: no assertion criteria provided. Collection method: clinical testing. Allele origin: germline. Affected: yes. Study: VKGL Data-share Consensus. Not counted in ClinVar's aggregate classification.

Genome Diagnostics Laboratory, Amsterdam University Medical Center
Classification: Benign. Review status: no assertion criteria provided. Collection method: clinical testing. Allele origin: germline. Affected: yes. Study: VKGL Data-share Consensus. Not counted in ClinVar's aggregate classification.

Genome Diagnostics Laboratory, University Medical Center Utrecht
Classification: Benign. Review status: no assertion criteria provided. Collection method: clinical testing. Allele origin: germline. Affected: yes. Study: VKGL Data-share Consensus. Not counted in ClinVar's aggregate classification.

Laboratory of Diagnostic Genome Analysis, Leiden University Medical Center (LUMC)
Classification: Likely benign. Review status: no assertion criteria provided. Collection method: clinical testing. Allele origin: germline. Affected: yes. Study: VKGL Data-share Consensus. Not counted in ClinVar's aggregate classification.

Literature cited by the submitters: PubMed 11826022 (cited by Laboratory for Molecular Medicine, Mass General Brigham Personalized Medicine); PubMed 12446365 (cited by Laboratory for Molecular Medicine, Mass General Brigham Personalized Medicine).

NM_000138.5(FBN1):c.7819+8A>C

Gene: FBN1 (fibrillin 1; minus strand). Cytogenetic location: 15q21.1.
Variant type: single nucleotide variant.
Coding change: c.7819+8A>C on transcript NM_000138.5 (MANE Select); 8 bases into the intron after coding-DNA position 7819, A replaced by C.
Molecular consequence: intron variant.
Genome position (GRCh38, 1-based): chr15:48,420,679, T>G on the plus strand (A>C on the coding strand, the complement: FBN1 is on the minus strand). VCF-style: chr15-48420679-T-G. GRCh37 (hg19) VCF-style: chr15-48712876-T-G.
Other names: p.?.
Identifiers: ClinVar variation 42433 (VCV000042433.42), dbSNP rs363838, ClinGen allele CA017386.